The following is an entry in ClinVar:

ClinVar aggregate classification (germline): Conflicting classifications of pathogenicity. Review status: criteria provided, conflicting classifications (1 of 4 stars). 6 submissions from 6 submitters: Uncertain significance (3); Likely benign (1). 2 of the submissions do not count toward it. Last evaluated 2024-10-08.

Conditions:
Hereditary cancer-predisposing syndrome. Also called: Hereditary neoplastic syndrome; Tumor predisposition; Neoplastic Syndromes, Hereditary; Hereditary Cancer Syndrome. Identifiers: Orphanet 140162, MedGen C0027672, MeSH D009386, MONDO:0015356.
Hereditary breast ovarian cancer syndrome. Also called: Hereditary breast and ovarian cancer syndrome (HBOC); Hereditary breast and/or ovarian cancer syndrome; Hereditary breast and ovarian cancer; BRCA1- and BRCA2-Associated Hereditary Breast and Ovarian Cancer; Hereditary breast and ovarian cancer syndrome; Breast and ovarian cancer. Identifiers: Orphanet 145, MedGen C0677776, MeSH D061325, MONDO:0003582. Disease mechanism: loss of function.
Breast-ovarian cancer, familial, susceptibility to, 1 (BROVCA1). Also called: BRCA1 Hereditary Breast and Ovarian Cancer; OVARIAN CANCER, SUSCEPTIBILITY TO. Identifiers: Orphanet 145, MedGen C2676676, MONDO:0011450, OMIM 604370. Disease mechanism: loss of function.
Familial cancer of breast. Also called: Hereditary breast cancer; hereditary breast carcinoma; BREAST CANCER, FAMILIAL. Identifiers: Orphanet 227535, MedGen C0346153, MONDO:0016419, OMIM 114480. Disease mechanism: loss of function.
Fanconi anemia, complementation group S (FANCS). Identifiers: MedGen C4554406, MONDO:0054748, OMIM 617883.

Allele frequency attached by ClinVar (database versions not stated): gnomAD 0.00001; gnomAD exomes 0.00002; ExAC 0.00004; 1000 Genomes Project 30x 0.00031; 1000 Genomes Project 0.00040.
gnomAD v4.1: 6 of 1,614,074 alleles (0.00037%); highest among the groups gnomAD compares: South Asian, 0.0066%; no homozygotes.

Submissions (6):

Labcorp Genetics (formerly Invitae), Labcorp
Classification: Uncertain significance for Hereditary breast ovarian cancer syndrome. Last evaluated: 2024-10-08. Review status: criteria provided, single submitter. Criteria: Invitae Variant Classification Sherloc (09022015). Collection method: clinical testing. Allele origin: germline.
Comment: This sequence change replaces methionine, which is neutral and non-polar, with valine, which is neutral and non-polar, at codon 669 of the BRCA1 protein (p.Met669Val). This variant is present in population databases (rs561988641, gnomAD 0.02%). This missense change has been observed in individual(s) with clinical features of BRCA1-related conditions (PMID: 21520333). ClinVar contains an entry for this variant (Variation ID: 933240). Invitae Evidence Modeling of protein sequence and biophysical properties (such as structural, functional, and spatial information, amino acid conservation, physicochemical variation, residue mobility, and thermodynamic stability) indicates that this missense variant is not expected to disrupt BRCA1 protein function with a negative predictive value of 80%. In summary, the available evidence is currently insufficient to determine the role of this variant in disease. Therefore, it has been classified as a Variant of Uncertain Significance.

Department of Pathology and Laboratory Medicine, Sinai Health System
Classification: Uncertain significance for Familial cancer of breast; Breast-ovarian cancer, familial, susceptibility to, 1; Fanconi anemia, complementation group S. Last evaluated: 2023-06-22. Review status: criteria provided, single submitter. Criteria: ACMG Guidelines, 2015. Collection method: clinical testing. Allele origin: germline. Affected: yes.

University of Washington Department of Laboratory Medicine, University of Washington
Classification: Likely benign for Hereditary cancer-predisposing syndrome. Last evaluated: 2023-03-23. Review status: criteria provided, single submitter. Criteria: Dines et al. (Genet Med. 2020). Collection method: curation. Allele origin: germline.
Comment: Missense variant in a coldspot region where missense variants are very unlikely to be pathogenic (PMID:31911673).

BRCA1 coldspot (exon 11 using historical exon numbering). Reclassification based on statistical prior probability

GeneDx
Classification: Uncertain significance. Last evaluated: 2022-11-21. Review status: criteria provided, single submitter. Criteria: GeneDx Variant Classification Process June 2021. Collection method: clinical testing. Allele origin: germline. Affected: yes.
Comment: Not observed at significant frequency in large population cohorts (gnomAD); In silico analysis supports that this missense variant does not alter protein structure/function; Has not been previously published as pathogenic or benign to our knowledge; Also known as 2124A>G; This variant is associated with the following publications: (PMID: 21520333, 15343273)

Diagnostic Laboratory, Department of Genetics, University Medical Center Groningen
Classification: Likely benign. Review status: no assertion criteria provided. Collection method: clinical testing. Allele origin: germline. Affected: yes. Study: VKGL Data-share Consensus. Not counted in ClinVar's aggregate classification.

Joint Genome Diagnostic Labs from Nijmegen and Maastricht, Radboudumc and MUMC+
Classification: Likely benign. Review status: no assertion criteria provided. Collection method: clinical testing. Allele origin: germline. Affected: yes. Study: VKGL Data-share Consensus. Not counted in ClinVar's aggregate classification.

Literature cited by the submitters: PubMed 21520333 (cited by Labcorp Genetics (formerly Invitae), Labcorp).

NM_007294.4(BRCA1):c.2005A>G (p.Met669Val)

Gene: BRCA1 (BRCA1 DNA repair associated; minus strand). Cytogenetic location: 17q21.31.
Variant type: single nucleotide variant.
Coding change: c.2005A>G on transcript NM_007294.4 (MANE Select); coding-DNA position 2005, A replaced by G.
Protein change: p.Met669Val; replaces methionine 669 with valine.
Molecular consequence: missense variant. On other transcripts: intron variant (137).
Genome position (GRCh38, 1-based): chr17:43,093,526, T>C on the plus strand (A>G on the coding strand, the complement: BRCA1 is on the minus strand). VCF-style: chr17-43093526-T-C. GRCh37 (hg19) VCF-style: chr17-41245543-T-C.
Other names: c.1792A>G, p.Met598Val (NM_001407571.1, NM_001407853.1, NM_001407894.1 and 9 more transcripts); c.2005A>G, p.Met669Val (NM_001407581.1, NM_001407582.1, NM_001407583.1 and 30 more transcripts); c.2002A>G, p.Met668Val (NM_001407587.1, NM_001407590.1, NM_001407591.1 and 22 more transcripts); c.1927A>G, p.Met643Val (NM_001407653.1, NM_001407654.1, NM_001407655.1 and 4 more transcripts); c.1996A>G, p.Met666Val (NM_001407646.1, NM_001407647.1); c.1882A>G, p.Met628Val (NM_001407648.1, NM_001407664.1, NM_001407665.1 and 19 more transcripts); c.1879A>G, p.Met627Val (NM_001407649.1, NM_001407670.1, NM_001407685.1 and 11 more transcripts); c.1924A>G, p.Met642Val (NM_001407661.1, NM_001407662.1, NM_001407659.1 and 1 more transcripts); and 40 more; short protein forms M622V, M669V, M557V, M580V, M601V, M621V, M628V, M642V.
Identifiers: ClinVar variation 933240 (VCV000933240.18), dbSNP rs561988641, ClinGen allele CA057693.